The following is an entry in ClinVar:

NM_001014342.3(FLG2):c.4543C>T (p.His1515Tyr)

Genes: CCDST (cervical cancer associated DHX9 suppressive transcript; plus strand), FLG2 (filaggrin 2; minus strand). Cytogenetic location: 1q21.3.
Variant type: single nucleotide variant.
Coding change: c.4543C>T on transcript NM_001014342.3 (MANE Select); coding-DNA position 4543, C replaced by T.
Protein change: p.His1515Tyr; replaces histidine 1515 with tyrosine.
Molecular consequence: missense variant.
Genome position (GRCh38, 1-based): chr1:152,353,243, G>A on the plus strand (C>T on the coding strand, the complement: FLG2 is on the minus strand). VCF-style: chr1-152353243-G-A. GRCh37 (hg19) VCF-style: chr1-152325719-G-A.
Other names: short protein forms H1515Y.
Identifiers: ClinVar variation 5021906 (VCV005021906.1).

ClinVar aggregate classification (germline): Uncertain significance (1 of 4 stars; one submission).

Submission:

Ambry Genetics
Classification: Uncertain significance. Last evaluated: 2026-09-02. Review status: criteria provided, single submitter. Criteria: Ambry Variant Classification Scheme 2023. Collection method: clinical testing. Allele origin: germline.
Comment: The c.4543C>T (p.H1515Y) alteration is located in exon 3 (coding exon 2) of the FLG2 gene. This alteration results from a C to T substitution at nucleotide position 4543, causing the histidine (H) at amino acid position 1515 to be replaced by a tyrosine (Y). Based on data from gnomAD, the T allele has an overall frequency of <0.001% (1/251398) total alleles studied. The highest observed frequency was 0.003% (1/34590) of Latino alleles. Based on insufficient or conflicting evidence, the clinical significance of this alteration remains unclear.